The following is an entry in ClinVar:

NM_001372044.2(SHANK3):c.3526C>G (p.Pro1176Ala)

Gene: SHANK3 (SH3 and multiple ankyrin repeat domains 3; plus strand). Cytogenetic location: 22q13.33.
Variant type: single nucleotide variant.
Coding change: c.3526C>G on transcript NM_001372044.2 (MANE Select); coding-DNA position 3526, C replaced by G.
Protein change: p.Pro1176Ala; replaces proline 1176 with alanine.
Molecular consequence: missense variant.
Genome position (GRCh38, 1-based): chr22:50,721,134, C>G. VCF-style: chr22-50721134-C-G. GRCh37 (hg19) VCF-style: chr22-51159562-C-G.
Other names: short protein forms P1176A.
Identifiers: ClinVar variation 1695054 (VCV001695054.31), dbSNP rs1385920913, ClinGen allele CA515261253.
Genomic context (GRCh38, chr22:50,721,134, plus strand): 5'-GTCAGCGGCCCGAGCCTGGGGCCCTCGGGTTCCACCTTCATCCACCCACTCACCGGCAAA[C>G]CCCTGGACCCCAGCTCACCCCTGGCCCTTGCCCTGGCTGCCCGAGAGCGAGCTCTGGCCT-3'
Protein context (NP_001358973.1, residues 1166-1186): STFIHPLTGK[Pro1176Ala]LDPSSPLALA

ClinVar aggregate classification (germline): Uncertain significance (1 of 4 stars; one submission).

Submission:

CeGaT Center for Human Genetics Tuebingen
Classification: Uncertain significance. Last evaluated: 2022-06-01. Review status: criteria provided, single submitter. Criteria: CeGaT Center For Human Genetics Tuebingen Variant Classification Criteria Version 2. Collection method: clinical testing. Allele origin: germline. Affected: yes. Observed: 1 variant allele.
Comment: SHANK3: PM2, PP2